The following is an entry in ClinVar:

ClinVar aggregate classification (germline): Uncertain significance (1 of 4 stars; one submission).

Allele frequency attached by ClinVar (database versions not stated): gnomAD exomes below 0.00001; gnomAD 0.00001.
gnomAD v4.1: 4 of 1,208,255 alleles (0.00033%); highest among the groups gnomAD compares: African/African-American, 0.0052%; no homozygotes.

Submission:

Labcorp Genetics (formerly Invitae), Labcorp
Classification: Uncertain significance. Last evaluated: 2022-08-19. Review status: criteria provided, single submitter. Criteria: Invitae Variant Classification Sherloc (09022015). Collection method: clinical testing. Allele origin: germline.
Comment: This sequence change replaces asparagine, which is neutral and polar, with serine, which is neutral and polar, at codon 459 of the SH3KBP1 protein (p.Asn459Ser). This variant is present in population databases (no rsID available, gnomAD 0.01%). This variant has not been reported in the literature in individuals affected with SH3KBP1-related conditions. Algorithms developed to predict the effect of missense changes on protein structure and function (SIFT, PolyPhen-2, Align-GVGD) all suggest that this variant is likely to be tolerated. In summary, the available evidence is currently insufficient to determine the role of this variant in disease. Therefore, it has been classified as a Variant of Uncertain Significance.

NM_031892.3(SH3KBP1):c.1376A>G (p.Asn459Ser)

Gene: SH3KBP1 (SH3 domain containing kinase binding protein 1; minus strand). Cytogenetic location: Xp22.12.
Variant type: single nucleotide variant.
Coding change: c.1376A>G on transcript NM_031892.3 (MANE Select); coding-DNA position 1376, A replaced by G.
Protein change: p.Asn459Ser; replaces asparagine 459 with serine.
Molecular consequence: missense variant.
Genome position (GRCh38, 1-based): chrX:19,569,111, T>C on the plus strand (A>G on the coding strand, the complement: SH3KBP1 is on the minus strand). VCF-style: chrX-19569111-T-C. GRCh37 (hg19) VCF-style: chrX-19587229-T-C.
Other names: c.1265A>G, p.Asn422Ser (NM_001024666.3); c.662A>G, p.Asn221Ser (NM_001184960.2, NM_001353897.2); c.1376A>G, p.Asn459Ser (NM_001353890.2); c.1451A>G, p.Asn484Ser (NM_001353891.2, NM_001353892.2); c.1274A>G, p.Asn425Ser (NM_001353893.2, NM_001353894.2); c.1331A>G, p.Asn444Ser (NM_001353895.2); c.1508A>G, p.Asn503Ser (NM_001410756.1, NM_001410757.1); c.1199A>G, p.Asn400Ser (NM_001410758.1); short protein forms N422S, N444S, N484S, N503S, N221S, N400S, N425S, N459S.
Identifiers: ClinVar variation 2125508 (VCV002125508.4), dbSNP rs1163382919, ClinGen allele CA412498110.
Genomic context (GRCh38, chrX:19,569,111, plus strand): 5'-GAGGTTCTTTACTAACTCTGCAAAGAGAAGCGAGAACACTGTCCTTACTCACCAATGTCA[T>C]TGCTGCGGTCCGAGAGATCTTTGTCCAGGATGCCAGATAGCGAACTGCCGGCCAAGTCAA-3'
Protein context (NP_114098.1, residues 449-469): ILDKDLSDRS[Asn459Ser]DIDLEGFDSV